The following is an entry in ClinVar:

ClinVar aggregate classification (germline): Uncertain significance (1 of 4 stars; one submission).

Allele frequency attached by ClinVar (database versions not stated): gnomAD exomes below 0.00001; ExAC 0.00001; TOPMed 0.00001.

Submission:

GeneDx
Classification: Uncertain significance. Last evaluated: 2022-10-03. Review status: criteria provided, single submitter. Criteria: GeneDx Variant Classification Process June 2021. Collection method: clinical testing. Allele origin: germline. Affected: yes.
Comment: Not observed at significant frequency in large population cohorts (gnomAD); In silico analysis supports that this missense variant has a deleterious effect on protein structure/function; Has not been previously published as pathogenic or benign to our knowledge

NM_001145809.2(MYH14):c.3290T>C (p.Met1097Thr)

Gene: MYH14 (myosin heavy chain 14; plus strand). Cytogenetic location: 19q13.33.
Variant type: single nucleotide variant.
Coding change: c.3290T>C on transcript NM_001145809.2 (MANE Select); coding-DNA position 3290, T replaced by C.
Protein change: p.Met1097Thr; replaces methionine 1097 with threonine.
Molecular consequence: missense variant.
Genome position (GRCh38, 1-based): chr19:50,271,967, T>C. VCF-style: chr19-50271967-T-C. GRCh37 (hg19) VCF-style: chr19-50775224-T-C.
Other names: c.3191T>C, p.Met1064Thr (NM_001077186.2); c.3167T>C, p.Met1056Thr (NM_024729.4); short protein forms M1056T, M1064T, M1097T.
Identifiers: ClinVar variation 2446478 (VCV002446478.1), dbSNP rs769468635, ClinGen allele CA9593168.